The following is an entry in ClinVar:

ClinVar aggregate classification (germline): Conflicting classifications of pathogenicity. Review status: criteria provided, conflicting classifications (1 of 4 stars). 3 submissions from 3 submitters: Uncertain significance (2); Likely benign (1). Last evaluated 2023-08-28.

Conditions:
Immunodeficiency 25. Also called: Immunodeficiency due to defect in cd3-zeta, somatic. Identifiers: MedGen C1857798, MONDO:0012426, OMIM 610163.

Allele frequency attached by ClinVar (database versions not stated): gnomAD exomes below 0.00001 and 0.00003; TOPMed 0.00003.
gnomAD v4.1: 44 of 1,613,620 alleles (0.0027%); highest among the groups gnomAD compares: Non-Finnish European, 0.0035%; no homozygotes.

Submissions (3):

Ambry Genetics
Classification: Uncertain significance. Last evaluated: 2023-08-28. Review status: criteria provided, single submitter. Criteria: Ambry Variant Classification Scheme 2023. Collection method: clinical testing. Allele origin: germline.

Blueprint Genetics
Classification: Likely benign. Last evaluated: 2022-07-08. Review status: criteria provided, single submitter. Criteria: ACMG Guidelines, 2015. Collection method: clinical testing. Allele origin: germline.

Labcorp Genetics (formerly Invitae), Labcorp
Classification: Uncertain significance for Immunodeficiency 25. Last evaluated: 2021-09-01. Review status: criteria provided, single submitter. Criteria: Invitae Variant Classification Sherloc (09022015). Collection method: clinical testing. Allele origin: germline.
Comment: This sequence change replaces asparagine with serine at codon 76 of the CD247 protein (p.Asn76Ser). The asparagine residue is moderately conserved and there is a small physicochemical difference between asparagine and serine. This variant is not present in population databases (ExAC no frequency). This variant has not been reported in the literature in individuals affected with CD247-related conditions. Algorithms developed to predict the effect of missense changes on protein structure and function output the following: SIFT: "Tolerated"; PolyPhen-2: "Benign"; Align-GVGD: "Class C0". The serine amino acid residue is found in multiple mammalian species, which suggests that this missense change does not adversely affect protein function. In summary, the available evidence is currently insufficient to determine the role of this variant in disease. Therefore, it has been classified as a Variant of Uncertain Significance.

NM_198053.3(CD247):c.227A>G (p.Asn76Ser)

Gene: CD247 (CD247 molecule; minus strand). Cytogenetic location: 1q24.2.
Variant type: single nucleotide variant.
Coding change: c.227A>G on transcript NM_198053.3 (MANE Select); coding-DNA position 227, A replaced by G.
Protein change: p.Asn76Ser; replaces asparagine 76 with serine.
Molecular consequence: missense variant.
Genome position (GRCh38, 1-based): chr1:167,438,643, T>C on the plus strand (A>G on the coding strand, the complement: CD247 is on the minus strand). VCF-style: chr1-167438643-T-C. GRCh37 (hg19) VCF-style: chr1-167407880-T-C.
Other names: c.227A>G (NM_198053.2); c.227A>G, p.Asn76Ser (NM_000734.4); c.320A>G, p.Asn107Ser (NM_001378515.1, NM_001378516.1); short protein forms N107S, N76S.
Identifiers: ClinVar variation 1055965 (VCV001055965.5), dbSNP rs943679483, ClinGen allele CA31992056.